The following is an entry in ClinVar:

ClinVar aggregate classification (germline): Uncertain significance (1 of 4 stars; one submission).

Conditions:
Catecholaminergic polymorphic ventricular tachycardia 1. Also called: VENTRICULAR TACHYCARDIA, STRESS-INDUCED POLYMORPHIC 1; RYR2-Related Catecholaminergic Polymorphic Ventricular Tachycardia; VENTRICULAR TACHYCARDIA, CATECHOLAMINERGIC POLYMORPHIC, 1, WITH OR WITHOUT ATRIAL DYSFUNCTION AND/OR DILATED CARDIOMYOPATHY. Identifiers: Orphanet 3286, MedGen C1631597, MONDO:0011484, OMIM 604772.

Submission:

Labcorp Genetics (formerly Invitae), Labcorp
Classification: Uncertain significance for Catecholaminergic polymorphic ventricular tachycardia 1. Last evaluated: 2025-11-05. Review status: criteria provided, single submitter. Criteria: Invitae Variant Classification Sherloc (09022015). Collection method: clinical testing. Allele origin: germline.
Comment: This sequence change replaces methionine, which is neutral and non-polar, with leucine, which is neutral and non-polar, at codon 399 of the RYR2 protein (p.Met399Leu). This variant is not present in population databases (gnomAD no frequency). This missense change has been observed in individual(s) with ventricular fibrillation (PMID: 29032884). Invitae Evidence Modeling of protein sequence and biophysical properties (such as structural, functional, and spatial information, amino acid conservation, physicochemical variation, residue mobility, and thermodynamic stability) has been performed for this missense variant. However, the output from this modeling did not meet the statistical confidence thresholds required to predict the impact of this variant on RYR2 protein function. In summary, the available evidence is currently insufficient to determine the role of this variant in disease. Therefore, it has been classified as a Variant of Uncertain Significance.

Literature cited by the submitters: PubMed 29032884.

NM_001035.3(RYR2):c.1195A>C (p.Met399Leu)

Gene: RYR2 (ryanodine receptor 2; plus strand). Cytogenetic location: 1q43.
Variant type: single nucleotide variant.
Coding change: c.1195A>C on transcript NM_001035.3 (MANE Select); coding-DNA position 1195, A replaced by C.
Protein change: p.Met399Leu; replaces methionine 399 with leucine.
Molecular consequence: missense variant.
Genome position (GRCh38, 1-based): chr1:237,445,425, A>C. VCF-style: chr1-237445425-A-C. GRCh37 (hg19) VCF-style: chr1-237608725-A-C.
Other names: short protein forms M399L.
Identifiers: ClinVar variation 4800052 (VCV004800052.1).